The following is an entry in ClinVar:

NM_001124758.3(SPNS2):c.609G>A (p.Val203=)

Gene: SPNS2 (SPNS lysolipid transporter 2, sphingosine-1-phosphate; plus strand). Cytogenetic location: 17p13.2.
Variant type: single nucleotide variant.
Coding change: c.609G>A on transcript NM_001124758.3 (MANE Select); coding-DNA position 609, G replaced by A.
Protein change: p.Val203=; no amino-acid change (valine 203 retained).
Molecular consequence: synonymous variant.
Genome position (GRCh38, 1-based): chr17:4,530,667, G>A. VCF-style: chr17-4530667-G-A. GRCh37 (hg19) VCF-style: chr17-4433962-G-A.
Identifiers: ClinVar variation 3050164 (VCV003050164.2), dbSNP rs61743835, ClinGen allele CA8302906.

ClinVar aggregate classification (germline): Benign (0 of 4 stars; one submission).

Conditions:
SPNS2-related disorder. Also called: SPNS2-related condition.

Allele frequency attached by ClinVar (database versions not stated): gnomAD exomes 0.00130; ExAC 0.00370; ESP Exome Variant Server 0.01223; 1000 Genomes Project 0.01258; gnomAD 0.01357; 1000 Genomes Project 30x 0.01483; TOPMed 0.01487.
gnomAD v4.1: 4,047 of 1,613,632 alleles (0.25%); highest among the groups gnomAD compares: African/African-American, 4.8%; 77 homozygotes.

Submission:

PreventionGenetics, part of Exact Sciences
Classification: Benign for SPNS2-related condition. Last evaluated: 2019-11-13. Review status: no assertion criteria provided. Collection method: clinical testing. Allele origin: germline.
Comment: This variant is classified as benign based on ACMG/AMP sequence variant interpretation guidelines (Richards et al. 2015 PMID: 25741868, with internal and published modifications).